The following is an entry in ClinVar:

ClinVar aggregate classification (germline): Uncertain significance. Review status: criteria provided, multiple submitters, no conflicts (2 of 4 stars). 2 submissions from 2 submitters: Uncertain significance (2). Last evaluated 2025-09-24.

Conditions:
Cardiovascular phenotype. Identifiers: MedGen CN230736.
Catecholaminergic polymorphic ventricular tachycardia (CVPT). Also called: Catecholamine-induced polymorphic ventricular tachycardia. Identifiers: Orphanet 3286, MedGen C5574922, MONDO:0017990.

Submissions (2):

Ambry Genetics
Classification: Uncertain significance for Cardiovascular phenotype. Last evaluated: 2025-09-24. Review status: criteria provided, single submitter. Criteria: Ambry Variant Classification Scheme 2023. Collection method: clinical testing. Allele origin: germline.
Comment: The p.D2650E variant (also known as c.7950T>G), located in coding exon 52 of the RYR2 gene, results from a T to G substitution at nucleotide position 7950. The aspartic acid at codon 2650 is replaced by glutamic acid, an amino acid with highly similar properties. This amino acid position is well conserved in available vertebrate species. In addition, the in silico prediction for this alteration is inconclusive. Based on the available evidence, the clinical significance of this variant remains unclear.

All of Us Research Program, National Institutes of Health
Classification: Uncertain significance for Catecholaminergic polymorphic ventricular tachycardia. Last evaluated: 2023-10-06. Review status: criteria provided, single submitter. Criteria: ACMG Guidelines, 2015. Collection method: clinical testing. Allele origin: germline. Inheritance: Autosomal dominant inheritance. Observed: 1 variant allele, 1 heterozygote.
Comment: This missense variant replaces aspartic acid with glutamic acid at codon 2650 of the RYR2 protein. Computational prediction suggests that this variant may not impact protein structure and function (internally defined REVEL score threshold <= 0.5, PMID: 27666373). To our knowledge, functional studies have not been reported for this variant. This variant has not been reported in individuals affected with RYR2-related disorders in the literature. This variant has not been identified in the general population by the Genome Aggregation Database (gnomAD). The available evidence is insufficient to determine the role of this variant in disease conclusively. Therefore, this variant is classified as a Variant of Uncertain Significance.

This study involves interpretation of variants in research participants for the purpose of population health screening. Participant phenotype was not available at the time of variant classification. Additional details can be found in publication PMID: 35346344, PMCID: PMC8962531

NM_001035.3(RYR2):c.7950T>G (p.Asp2650Glu)

Gene: RYR2 (ryanodine receptor 2; plus strand). Cytogenetic location: 1q43.
Variant type: single nucleotide variant.
Coding change: c.7950T>G on transcript NM_001035.3 (MANE Select); coding-DNA position 7950, T replaced by G.
Protein change: p.Asp2650Glu; replaces aspartic acid 2650 with glutamic acid.
Molecular consequence: missense variant.
Genome position (GRCh38, 1-based): chr1:237,654,399, T>G. VCF-style: chr1-237654399-T-G. GRCh37 (hg19) VCF-style: chr1-237817699-T-G.
Other names: c.7950T>G (NM_001035.2); short protein forms D2650E.
Identifiers: ClinVar variation 3073743 (VCV003073743.2), dbSNP rs974569797, ClinGen allele CA39801235.